The following is an entry in ClinVar:

ClinVar aggregate classification (germline): Likely benign. Review status: criteria provided, multiple submitters, no conflicts (2 of 4 stars). 4 submissions from 4 submitters: Likely benign (3). 1 of the submissions does not count toward it. Last evaluated 2026-06-01.

Conditions:
PCNT-related disorder. Also called: PCNT-related condition.

Allele frequency attached by ClinVar (database versions not stated): gnomAD 0.00001; gnomAD exomes 0.00004 and 0.00018; TOPMed 0.00009; ExAC 0.00012.
gnomAD v4.1: 59 of 1,614,072 alleles (0.0037%); highest among the groups gnomAD compares: Admixed American, 0.093%; no homozygotes.

Submissions (4):

CeGaT Center for Human Genetics Tuebingen
Classification: Likely benign. Last evaluated: 2026-06-01. Review status: criteria provided, single submitter. Criteria: CeGaT Center For Human Genetics Tuebingen Variant Classification Criteria Version 2. Collection method: clinical testing. Allele origin: germline. Affected: yes. Observed: 1 variant allele.
Comment: PCNT: BP4, BP7

Labcorp Genetics (formerly Invitae), Labcorp
Classification: Likely benign. Last evaluated: 2026-02-01. Review status: criteria provided, single submitter. Criteria: Invitae Variant Classification Sherloc (09022015). Collection method: clinical testing. Allele origin: germline.

Genetic Services Laboratory, University of Chicago
Classification: Likely benign. Last evaluated: 2017-11-08. Review status: criteria provided, single submitter. Criteria: ACMG Guidelines, 2015. Collection method: clinical testing. Allele origin: germline. Affected: no.

PreventionGenetics, part of Exact Sciences
Classification: Likely benign for PCNT-related condition. Last evaluated: 2021-05-24. Review status: no assertion criteria provided. Collection method: clinical testing. Allele origin: germline. Not counted in ClinVar's aggregate classification.
Comment: This variant is classified as likely benign based on ACMG/AMP sequence variant interpretation guidelines (Richards et al. 2015 PMID: 25741868, with internal and published modifications).

NM_006031.6(PCNT):c.3795G>A (p.Leu1265=)

Gene: PCNT (pericentrin; plus strand). Cytogenetic location: 21q22.3.
Variant type: single nucleotide variant.
Coding change: c.3795G>A on transcript NM_006031.6 (MANE Select); coding-DNA position 3795, G replaced by A.
Protein change: p.Leu1265=; no amino-acid change (leucine 1265 retained).
Molecular consequence: synonymous variant.
Genome position (GRCh38, 1-based): chr21:46,389,386, G>A. VCF-style: chr21-46389386-G-A. GRCh37 (hg19) VCF-style: chr21-47809301-G-A.
Other names: c.3441G>A, p.Leu1147= (NM_001315529.2).
Identifiers: ClinVar variation 1338713 (VCV001338713.17), dbSNP rs761411121, ClinGen allele CA10079443.